The following is an entry in ClinVar:

NM_001130144.3(LTBP3):c.1344C>T (p.Thr448=)

Gene: LTBP3 (latent transforming growth factor beta binding protein 3; minus strand). Cytogenetic location: 11q13.1.
Variant type: single nucleotide variant.
Coding change: c.1344C>T on transcript NM_001130144.3 (MANE Select); coding-DNA position 1344, C replaced by T.
Protein change: p.Thr448=; no amino-acid change (threonine 448 retained).
Molecular consequence: synonymous variant.
Genome position (GRCh38, 1-based): chr11:65,552,249, G>A on the plus strand (C>T on the coding strand, the complement: LTBP3 is on the minus strand). VCF-style: chr11-65552249-G-A. GRCh37 (hg19) VCF-style: chr11-65319720-G-A.
Other names: c.993C>T, p.Thr331= (NM_001164266.1); c.1344C>T, p.Thr448= (NM_021070.4); c.1344C>T (NM_001130144.2).
Identifiers: ClinVar variation 2891114 (VCV002891114.6), dbSNP rs753498326, ClinGen allele CA6101008.

ClinVar aggregate classification (germline): Conflicting classifications of pathogenicity. Review status: criteria provided, conflicting classifications (1 of 4 stars). 3 submissions from 3 submitters: Uncertain significance (1); Likely benign (1). 1 of the submissions does not count toward it. Last evaluated 2025-11-10.

Conditions:
Inborn genetic diseases. Identifiers: MedGen C0950123, MeSH D030342.
LTBP3-related disorder. Also called: LTBP3-related condition.
Brachyolmia-amelogenesis imperfecta syndrome. Also called: PLATYSPONDYLY WITH AMELOGENESIS IMPERFECTA; Tooth agenesis, selective, 6; Dental anomalies and short stature. Identifiers: Orphanet 2899, MedGen C1832594, MONDO:0011018, OMIM 601216. Disease mechanism: loss of function.

Allele frequency attached by ClinVar (database versions not stated): ExAC 0.00001; gnomAD exomes 0.00001; TOPMed 0.00003; gnomAD 0.00001.
gnomAD v4.1: 10 of 1,613,996 alleles (0.00062%); highest among the groups gnomAD compares: Admixed American, 0.0067%; no homozygotes.

Submissions (3):

Labcorp Genetics (formerly Invitae), Labcorp
Classification: Uncertain significance for Brachyolmia-amelogenesis imperfecta syndrome. Last evaluated: 2025-11-10. Review status: criteria provided, single submitter. Criteria: Invitae Variant Classification Sherloc (09022015). Collection method: clinical testing. Allele origin: germline.
Comment: This sequence change affects codon 448 of the LTBP3 mRNA. It is a 'silent' change, meaning that it does not change the encoded amino acid sequence of the LTBP3 protein. It affects a nucleotide within the consensus splice site. This variant is present in population databases (rs753498326, gnomAD 0.009%). This variant has not been reported in the literature in individuals affected with LTBP3-related conditions. ClinVar contains an entry for this variant (Variation ID: 2891114). Algorithms developed to predict the effect of sequence changes on RNA splicing suggest that this variant is not likely to affect RNA splicing. In summary, the available evidence is currently insufficient to determine the role of this variant in disease. Therefore, it has been classified as a Variant of Uncertain Significance.

Ambry Genetics
Classification: Likely benign for Inborn genetic diseases. Last evaluated: 2024-10-04. Review status: criteria provided, single submitter. Criteria: Ambry Variant Classification Scheme 2023. Collection method: clinical testing. Allele origin: germline.

PreventionGenetics, part of Exact Sciences
Classification: Likely benign for LTBP3-related condition. Last evaluated: 2021-12-10. Review status: no assertion criteria provided. Collection method: clinical testing. Allele origin: germline. Not counted in ClinVar's aggregate classification.
Comment: This variant is classified as likely benign based on ACMG/AMP sequence variant interpretation guidelines (Richards et al. 2015 PMID: 25741868, with internal and published modifications).